The following is an entry in ClinVar:

ClinVar aggregate classification (germline): Uncertain significance (1 of 4 stars; one submission).

Submission:

Labcorp Genetics (formerly Invitae), Labcorp
Classification: Uncertain significance. Last evaluated: 2023-10-04. Review status: criteria provided, single submitter. Criteria: Invitae Variant Classification Sherloc (09022015). Collection method: clinical testing. Allele origin: germline.
Comment: This sequence change replaces arginine, which is basic and polar, with proline, which is neutral and non-polar, at codon 77 of the USP7 protein (p.Arg77Pro). This variant is not present in population databases (gnomAD no frequency). This variant has not been reported in the literature in individuals affected with USP7-related conditions. An algorithm developed to predict the effect of missense changes on protein structure and function (PolyPhen-2) suggests that this variant is likely to be disruptive. In summary, the available evidence is currently insufficient to determine the role of this variant in disease. Therefore, it has been classified as a Variant of Uncertain Significance.

NM_003470.3(USP7):c.230G>C (p.Arg77Pro)

Gene: USP7 (ubiquitin specific peptidase 7; minus strand). Cytogenetic location: 16p13.2.
Variant type: single nucleotide variant.
Coding change: c.230G>C on transcript NM_003470.3 (MANE Select); coding-DNA position 230, G replaced by C.
Protein change: p.Arg77Pro; replaces arginine 77 with proline.
Molecular consequence: missense variant. On other transcripts: 5 prime UTR variant (1), non-coding transcript variant (1).
Genome position (GRCh38, 1-based): chr16:8,923,368, C>G on the plus strand (G>C on the coding strand, the complement: USP7 is on the minus strand). VCF-style: chr16-8923368-C-G. GRCh37 (hg19) VCF-style: chr16-9017225-C-G.
Other names: c.182G>C, p.Arg61Pro (NM_001286457.2); c.-68G>C (NM_001286458.2); c.56G>C, p.Arg19Pro (NM_001321858.2); short protein forms R77P, R61P, R19P.
Identifiers: ClinVar variation 2764404 (VCV002764404.3), dbSNP rs1897808805, ClinGen allele CA394705785.